The following is an entry in ClinVar:

ClinVar aggregate classification (germline): Benign. Review status: criteria provided, multiple submitters, no conflicts (2 of 4 stars). 8 submissions from 8 submitters: Benign (5). 3 of the submissions do not count toward it. Last evaluated 2025-12-03.

Conditions:
Emery-Dreifuss muscular dystrophy 5, autosomal dominant (EDMD5). Also called: EMERY-DREIFUSS MUSCULAR DYSTROPHY 5. Identifiers: Orphanet 261, MedGen C2751805, MONDO:0013072, OMIM 612999.

Allele frequency attached by ClinVar (database versions not stated): gnomAD exomes 0.06977 and 0.08530; ESP Exome Variant Server 0.07666; ExAC 0.08675; gnomAD 0.08740 and 0.08925; 1000 Genomes Project 30x 0.12211; 1000 Genomes Project 0.12240; TOPMed 0.09045.
gnomAD v4.1: 116,373 of 1,612,338 alleles (7.2%); highest among the groups gnomAD compares: South Asian, 14%; 5,029 homozygotes.

Submissions (8):

Labcorp Genetics (formerly Invitae), Labcorp
Classification: Benign for Emery-Dreifuss muscular dystrophy 5, autosomal dominant. Last evaluated: 2025-12-03. Review status: criteria provided, single submitter. Criteria: Invitae Variant Classification Sherloc (09022015). Collection method: clinical testing. Allele origin: germline.

GeneDx
Classification: Benign. Last evaluated: 2018-07-09. Review status: criteria provided, single submitter. Criteria: GeneDx Variant Classification Process June 2021. Collection method: clinical testing. Allele origin: germline. Affected: yes.
Comment: This variant is associated with the following publications: (PMID: 25854761)

Illumina Laboratory Services, Illumina
Classification: Benign for Emery-Dreifuss muscular dystrophy 5, autosomal dominant. Last evaluated: 2018-01-13. Review status: criteria provided, single submitter. Criteria: ICSL Variant Classification Criteria 13 December 2019. Collection method: clinical testing. Allele origin: germline.
Comment: This variant was observed in the ICSL laboratory as part of a predisposition screen in an ostensibly healthy population. It had not been previously curated by ICSL or reported in the Human Gene Mutation Database (HGMD: prior to June 1st, 2018), and was therefore a candidate for classification through an automated scoring system. Utilizing variant allele frequency, disease prevalence and penetrance estimates, and inheritance mode, an automated score was calculated to assess if this variant is too frequent to cause the disease. Based on the score and internal cut-off values, a variant classified as benign is not then subjected to further curation. The score for this variant resulted in a classification of benign for this disease.

Eurofins Ntd Llc (ga)
Classification: Benign. Last evaluated: 2015-10-12. Review status: criteria provided, single submitter. Criteria: EGL Classification Definitions 2015. Collection method: clinical testing. Allele origin: germline. Observed: 10 variant alleles, 7 heterozygotes.

Breakthrough Genomics
Classification: Benign. Review status: criteria provided, single submitter. Criteria: ACMG Guidelines, 2015. Collection method: not provided. Allele origin: germline. Inheritance: Autosomal dominant inheritance. Affected: yes.

Clinical Genetics, Academic Medical Center
Classification: Benign. Review status: no assertion criteria provided. Collection method: clinical testing. Allele origin: germline. Affected: yes. Study: VKGL Data-share Consensus. Not counted in ClinVar's aggregate classification.

Diagnostic Laboratory, Department of Genetics, University Medical Center Groningen
Classification: Benign for Emery-Dreifuss muscular dystrophy 5, autosomal dominant. Review status: no assertion criteria provided. Collection method: clinical testing. Allele origin: germline. Affected: yes. Study: VKGL Data-share Consensus. Not counted in ClinVar's aggregate classification.

Genetic Services Laboratory, University of Chicago
Classification: Likely benign for AllHighlyPenetrant. Review status: no assertion criteria provided. Collection method: clinical testing. Allele origin: germline. Inheritance: Autosomal dominant inheritance. Not counted in ClinVar's aggregate classification.
Comment: Likely benign based on allele frequency in 1000 Genomes Project or ESP global frequency and its presence in a patient with a rare or unrelated disease phenotype. NOT Sanger confirmed.

NM_182914.3(SYNE2):c.12002G>A (p.Trp4001Ter)

Gene: SYNE2 (spectrin repeat containing nuclear envelope protein 2; plus strand). Cytogenetic location: 14q23.2.
Variant type: single nucleotide variant.
Coding change: c.12002G>A on transcript NM_182914.3 (MANE Select); coding-DNA position 12002, G replaced by A.
Protein change: p.Trp4001Ter; replaces tryptophan 4001 with a stop codon.
Molecular consequence: nonsense.
Genome position (GRCh38, 1-based): chr14:64,093,374, G>A. VCF-style: chr14-64093374-G-A. GRCh37 (hg19) VCF-style: chr14-64560092-G-A.
Other names: c.12002G>A, p.Trp4001Ter (NM_015180.6); short protein forms W4001*.
Identifiers: ClinVar variation 130463 (VCV000130463.19), dbSNP rs2781377, ClinGen allele CA155516.
Genomic context (GRCh38, chr14:64,093,374, plus strand): 5'-GACAAAGATTCTTTTTTGTGGGGGTTATTTTATAGGTAGTCATAAAACAGACCAATGAAT[G>A]GGATGAAGAAATAGAAAATTTGAAACAGATCTTAAATAATTATTCAGCTCAGTTCTCCCT-3'